The following is an entry in ClinVar:

ClinVar aggregate classification (germline): Likely pathogenic (1 of 4 stars; one submission).

Conditions:
Waardenburg syndrome type 2A (WS2A). Also called: WAARDENBURG SYNDROME WITHOUT DYSTOPIA CANTHORUM. Identifiers: Orphanet 3440, MedGen C1860339, MONDO:0008671, OMIM 193510.

Submission:

Institute of Rare Diseases, West China Hospital, Sichuan University
Classification: Likely pathogenic for Waardenburg syndrome type 2A. Last evaluated: 2025-01-09. Review status: criteria provided, single submitter. Criteria: ClinGen HL ACMG Specifications v1. Collection method: research. Allele origin: germline. Affected: yes.
Comment: PVS1;PM2_Supporting

NM_001354604.2(MITF):c.648dup (p.Arg217fs)

Gene: MITF (melanocyte inducing transcription factor; plus strand). Cytogenetic location: 3p13.
Variant type: Duplication.
Coding change: c.648dup on transcript NM_001354604.2 (MANE Select); coding-DNA position 648, one base duplicated (A; older notation c.648dupA).
Protein change: p.Arg217fs; shifts the reading frame from arginine 217.
Molecular consequence: frameshift variant.
Genome position (GRCh38, 1-based): chr3:69,939,163, A duplicated. VCF-style (leftmost placement, unchanged base first): chr3-69939162-C-CA. GRCh37 (hg19) VCF-style: chr3-69988313-C-CA.
Other names: c.327dup, p.Arg110fs (NM_000248.4, NM_198158.3); c.492dup, p.Arg165fs (NM_001184967.2, NM_001354608.2); c.645dup, p.Arg216fs (NM_001354605.2, NM_001354606.2, NM_006722.3); c.597dup, p.Arg200fs (NM_001354607.2); c.648dup, p.Arg217fs (NM_198159.3); c.600dup, p.Arg201fs (NM_198177.3); c.159dup, p.Arg54fs (NM_198178.3); short protein forms R110fs, R165fs, R200fs, R201fs, R216fs, R217fs, R54fs.
Identifiers: ClinVar variation 3601239 (VCV003601239.1).
Genomic context (GRCh38, chr3:69,939,162, plus strand): 5'-TTTATAAGTTTGAAGAGCAAAACAGGGCAGAGAGCGAGTGCCCAGGCATGAACACACATT[C>CA]ACGAGCGTCCTGTATGCAGGTACTGAATGACTTGGCAGCCTGAGGATGAACACTTTGTAA-3'